The following continues an entry in ClinVar:

NM_000059.4(BRCA2):c.5799_5802del (p.Asn1933fs)

Gene: BRCA2. ClinVar aggregate classification (germline): Pathogenic. Pathogenic (1).

Submissions 8 to 19 of 19:

GeneDx
Classification: Pathogenic. Last evaluated: 2023-12-07. Review status: criteria provided, single submitter. Criteria: GeneDx Variant Classification Process June 2021. Collection method: clinical testing. Allele origin: germline. Affected: yes. Not counted in ClinVar's aggregate classification.
Comment: Frameshift variant predicted to result in protein truncation or nonsense mediated decay in a gene for which loss-of-function is a known mechanism of disease; Observed in individuals with a personal or family history consistent with pathogenic variants in this gene (PMID: 22682623, 28495237, 28008555); Not observed at significant frequency in large population cohorts (gnomAD); Truncating variants in this gene are considered pathogenic by a well-established clinical consortium and/or database; Also known as 6027_6030delCCAA or 6027del4; This variant is associated with the following publications: (PMID: 22109874, 31794323, 34413315, 28888541, 15131399, 22682623, 26681312, 28008555, 28127413, 28495237, 26556299, 30787465, 31892343, 30322717, 26221963, 30068706, 29263802, 29308099)

Baylor Genetics
Classification: Pathogenic for Familial cancer of breast. Last evaluated: 2023-11-28. Review status: criteria provided, single submitter. Criteria: ACMG Guidelines, 2015. Collection method: clinical testing. Allele origin: unknown. Not counted in ClinVar's aggregate classification.

Sema4
Classification: Pathogenic for Hereditary cancer-predisposing syndrome. Last evaluated: 2022-01-20. Review status: criteria provided, single submitter. Criteria: Sema4 Curation Guidelines. Collection method: curation. Allele origin: germline. Not counted in ClinVar's aggregate classification.
Comment: The BRCA2 c.5799_5802delCCAA (p.N1933KfsX29) variant has been reported in heterozygosity in both male and female individuals with breast or ovarian cancer (PMID: 22682623, 26221963, 28008555, 30322717, 29263802, 29308099). It was also reported in individuals with endometrial, colorectal, or bladder cancers (PMID: 26556299, 30068706, 26681312, 28495237, 31794323). It is also known as 6027del4 in the literature. This variant causes a frameshift at amino acid 1933 that results in premature termination 29 amino acids downstream. At this location, nonsense-mediated decay is predicted to occur, resulting in a loss of gene function. Loss of function variants in BRCA2 are known to be pathogenic (PMID: 29446198). This variant is not reported in the population database Genome Aggregation Database (PMID: 32461654). This variant has been reported in ClinVar (Variation ID: 37998). Based on the current evidence available, this variant is interpreted as pathogenic.

New York Genome Center
Classification: Pathogenic for Breast-ovarian cancer, familial, susceptibility to, 2. Last evaluated: 2021-08-06. Review status: criteria provided, single submitter. Criteria: NYGC Assertion Criteria 2020. Collection method: clinical testing. Allele origin: inherited. Observed: 1 heterozygote. Study: CSER-NYCKidSeq. Not counted in ClinVar's aggregate classification.
Comment: The BRCA2 c.5799_5802del, p.Asn1933LysfsTer29 variant, also known as 6027del4 in alternative nomenclature, is reported in the literature in several individuals with a personal and/or family history of breast cancer (PMID: 22682623, 28008555). This variant is absent from the gnomAD v3.1.1 database, suggesting it is not a common benign variant in the populations represented in this database. This variant causes a frameshift by deleting four nucleotides, which is predicted to result in atruncated protein or mRNA subject to nonsense-mediated decay. Based on the available evidence, c.5799_5802del, p.Asn1933LysfsTer29 variant in the BRCA2 gene is classified as pathogenic.

ARUP Laboratories, Molecular Genetics and Genomics, ARUP Laboratories
Classification: Pathogenic. Last evaluated: 2019-10-24. Review status: criteria provided, single submitter. Criteria: ARUP Molecular Germline Variant Investigation Process. Collection method: clinical testing. Allele origin: germline. Not counted in ClinVar's aggregate classification.
Comment: The BRCA2 c.5799_5802delCCAA; p.Asn1933fs variant (rs80359538), also known as 6027del4 in alternative nomenclature, is reported in the literature in several individuals with a personal and/or family history of breast cancer (Dutil 2012, Pritzlaff 2017). This variant is absent from general population databases (Exome Variant Server, Genome Aggregation Database), indicating it is not a common polymorphism, and it is reported as pathogenic by multiple laboratories in ClinVar (Variation ID: 37998). This variant causes a frameshift by deleting four nucleotides, so it is predicted to result in a truncated protein or mRNA subject to nonsense-mediated decay. Based on available information, this variant is considered to be pathogenic. References: Dutil J et al. Identification of the prevalent BRCA1 and BRCA2 mutations in the female population of Puerto Rico. Cancer Genet. 2012 May;205(5):242-8. Pritzlaff M et al. Male breast cancer in a multi-gene panel testing cohort: insights and unexpected results. Breast Cancer Res Treat. 2017 Feb;161(3):575-586.

Women's Health and Genetics/Laboratory Corporation of America, LabCorp
Classification: Pathogenic for Hereditary breast and ovarian cancer syndrome. Last evaluated: 2019-03-04. Review status: criteria provided, single submitter. Criteria: LabCorp Variant Classification Summary - May 2015. Collection method: clinical testing. Allele origin: germline. Not counted in ClinVar's aggregate classification.
Comment: Variant summary: BRCA2 c.5799_5802delCCAA (p.Asn1933LysfsX29) results in a premature termination codon, predicted to cause a truncation of the encoded protein or absence of the protein due to nonsense mediated decay, which are commonly known mechanisms for disease. Other truncations downstream of this position have been classified as pathogenic by our laboratory. The variant was absent in 245780 control chromosomes. c.5799_5802delCCAA has been reported in the literature in multiple individuals affected with Hereditary Breast and Ovarian Cancer. These data indicate that the variant is very likely to be associated with disease. To our knowledge, no experimental evidence demonstrating an impact on protein function has been reported. Nine clinical diagnostic laboratories have submitted clinical-significance assessments for this variant to ClinVar after 2014 without evidence for independent evaluation. All laboratories classified the variant as pathogenic. Based on the evidence outlined above, the variant was classified as pathogenic.

Consortium of Investigators of Modifiers of BRCA1/2 (CIMBA), c/o University of Cambridge
Classification: Pathogenic for Breast-ovarian cancer, familial, susceptibility to, 2. Last evaluated: 2015-10-02. Review status: criteria provided, single submitter. Criteria: CIMBA Mutation Classification guidelines May 2016. Collection method: clinical testing. Allele origin: germline. Not counted in ClinVar's aggregate classification.

Eurofins Ntd Llc (ga)
Classification: Pathogenic. Last evaluated: 2015-04-20. Review status: criteria provided, single submitter. Criteria: EGL Classification Definitions 2015. Collection method: clinical testing. Allele origin: germline. Observed: 3 variant alleles, 3 heterozygotes. Not counted in ClinVar's aggregate classification.

Counsyl
Classification: Pathogenic for Breast-ovarian cancer, familial, susceptibility to, 2. Last evaluated: 2015-11-03. Review status: no assertion criteria provided. Collection method: clinical testing. Allele origin: unknown. Not counted in ClinVar's aggregate classification.

Research Molecular Genetics Laboratory, Women's College Hospital, University of Toronto
Classification: Pathogenic for Hereditary breast ovarian cancer syndrome. Last evaluated: 2014-01-31. Review status: no assertion criteria provided. Collection method: research. Allele origin: germline. Affected: yes. Study: The Canadian Open Genetics Repository (COGR). Not counted in ClinVar's aggregate classification.

Sharing Clinical Reports Project (SCRP)
Classification: Pathogenic for Breast-ovarian cancer, familial 2. Last evaluated: 2012-05-01. Review status: no assertion criteria provided. Collection method: clinical testing. Allele origin: germline. Not counted in ClinVar's aggregate classification.

Breast Cancer Information Core (BIC) (BRCA2)
Classification: Pathogenic for Breast-ovarian cancer, familial 2. Last evaluated: 2004-02-20. Review status: no assertion criteria provided. Collection method: clinical testing. Allele origin: germline. Affected: yes. Observed: 6 variant alleles. Not counted in ClinVar's aggregate classification.

Literature cited by the submitters: PubMed 20104584 (cited by Labcorp Genetics (formerly Invitae), Labcorp); PubMed 15131399 (cited by 6 submitters); PubMed 22682623 (cited by 9 submitters); PubMed 26681312 (cited by 4 submitters); PubMed 28008555 (cited by 7 submitters); PubMed 22109874 (cited by Ambry Genetics and Women's Health and Genetics/Laboratory Corporation of America, LabCorp); PubMed 24312913 (cited by Ambry Genetics and Women's Health and Genetics/Laboratory Corporation of America, LabCorp); PubMed 26221963 (cited by 3 submitters); PubMed 29263802 (cited by 4 submitters); PubMed 29308099 (cited by Color Diagnostics, LLC DBA Color Health and Sema4); PubMed 29446198 (cited by 4 submitters); PubMed 30322717 (cited by 3 submitters); PubMed 31853058 (cited by Color Diagnostics, LLC DBA Color Health); PubMed 8988179 (cited by All of Us Research Program, National Institutes of Health); PubMed 11897832 (cited by All of Us Research Program, National Institutes of Health); PubMed 30068706 (cited by 3 submitters); PubMed 31794323 (cited by 3 submitters); PubMed 32064343 (cited by All of Us Research Program, National Institutes of Health); PubMed 28888541 (cited by Quest Diagnostics Nichols Institute San Juan Capistrano); PubMed 28495237 (cited by Quest Diagnostics Nichols Institute San Juan Capistrano and Sema4); PubMed 31892343 (cited by Quest Diagnostics Nichols Institute San Juan Capistrano); PubMed 34413315 (cited by Quest Diagnostics Nichols Institute San Juan Capistrano); PubMed 26556299 (cited by Quest Diagnostics Nichols Institute San Juan Capistrano and Sema4); PubMed 26295337 (cited by Quest Diagnostics Nichols Institute San Juan Capistrano).